The following is an entry in ClinVar:

ClinVar aggregate classification (germline): Uncertain significance (1 of 4 stars; one submission).

gnomAD v4.1: 19 of 1,589,362 alleles (0.0012%); highest among the groups gnomAD compares: Non-Finnish European, 0.0015%; no homozygotes.

Submission:

Labcorp Genetics (formerly Invitae), Labcorp
Classification: Uncertain significance. Last evaluated: 2024-07-19. Review status: criteria provided, single submitter. Criteria: Invitae Variant Classification Sherloc (09022015). Collection method: clinical testing. Allele origin: germline.
Comment: This sequence change replaces proline, which is neutral and non-polar, with arginine, which is basic and polar, at codon 25 of the NUP133 protein (p.Pro25Arg). This variant is not present in population databases (gnomAD no frequency). This variant has not been reported in the literature in individuals affected with NUP133-related conditions. An algorithm developed to predict the effect of missense changes on protein structure and function (PolyPhen-2) suggests that this variant is likely to be tolerated. In summary, the available evidence is currently insufficient to determine the role of this variant in disease. Therefore, it has been classified as a Variant of Uncertain Significance.

NM_018230.3(NUP133):c.74C>G (p.Pro25Arg)

Genes: NUP133 (nucleoporin 133; minus strand), LOC129932732 (ATAC-STARR-seq lymphoblastoid silent region 1931; plus strand). Cytogenetic location: 1q42.13.
Variant type: single nucleotide variant.
Coding change: c.74C>G on transcript NM_018230.3 (MANE Select); coding-DNA position 74, C replaced by G.
Protein change: p.Pro25Arg; replaces proline 25 with arginine.
Molecular consequence: missense variant.
Genome position (GRCh38, 1-based): chr1:229,508,176, G>C on the plus strand (C>G on the coding strand, the complement: NUP133 is on the minus strand). VCF-style: chr1-229508176-G-C. GRCh37 (hg19) VCF-style: chr1-229643923-G-C.
Other names: short protein forms P25R.
Identifiers: ClinVar variation 3609909 (VCV003609909.2).